The following is an entry in ClinVar:

NM_006129.5(BMP1):c.*145T>C

Gene: BMP1 (bone morphogenetic protein 1; plus strand). Cytogenetic location: 8p21.3.
Variant type: single nucleotide variant.
Coding change: c.*145T>C on transcript NM_006129.5 (MANE Select); 145 bases downstream of the stop codon, T replaced by C.
Molecular consequence: 3 prime UTR variant. On other transcripts: non-coding transcript variant (1).
Genome position (GRCh38, 1-based): chr8:22,211,873, T>C. VCF-style: chr8-22211873-T-C. GRCh37 (hg19) VCF-style: chr8-22069386-T-C.
Identifiers: ClinVar variation 362607 (VCV000362607.9), dbSNP rs7001, ClinGen allele CA10627506.

ClinVar aggregate classification (germline): Benign/Likely benign. Review status: criteria provided, multiple submitters, no conflicts (2 of 4 stars). 3 submissions from 3 submitters: Benign (1); Likely benign (2). Last evaluated 2018-06-14.

Conditions:
Osteogenesis imperfecta type 13. Also called: OI, TYPE XIII; Osteogenesis imperfecta, type xiii. Identifiers: Orphanet 666, MedGen C3553887, MONDO:0013924, OMIM 614856.

Allele frequency attached by ClinVar (database versions not stated): 1000 Genomes Project 30x 0.13210; 1000 Genomes Project 0.13399; TOPMed 0.18980; gnomAD 0.19645 and 0.20026.
gnomAD v4.1: 280,103 of 1,269,520 alleles (22%); highest among the groups gnomAD compares: Non-Finnish European, 25%; 33,100 homozygotes.

Submissions (3):

GeneDx
Classification: Benign. Last evaluated: 2018-06-14. Review status: criteria provided, single submitter. Criteria: GeneDx Variant Classification Process June 2021. Collection method: clinical testing. Allele origin: germline. Affected: yes.

Illumina Laboratory Services, Illumina
Classification: Likely benign for Osteogenesis imperfecta type 13. Last evaluated: 2017-04-27. Review status: criteria provided, single submitter. Criteria: ICSL Variant Classification Criteria 13 December 2019. Collection method: clinical testing. Allele origin: germline.
Comment: This variant was observed as part of a predisposition screen in an ostensibly healthy population. A literature search was performed for the gene, cDNA change, and amino acid change (where applicable). No publications were found based on this search. Allele frequency data from public databases allowed determination this variant is unlikely to cause disease. Therefore, this variant is classified as likely benign.

Breakthrough Genomics
Classification: Likely benign. Review status: criteria provided, single submitter. Criteria: ACMG Guidelines, 2015. Collection method: not provided. Allele origin: germline. Inheritance: Autosomal recessive inheritance. Affected: yes.